The following is an entry in ClinVar:

ClinVar aggregate classification (germline): Uncertain significance (1 of 4 stars; one submission).

Submission:

GeneDx
Classification: Uncertain significance. Last evaluated: 2022-10-03. Review status: criteria provided, single submitter. Criteria: GeneDx Variant Classification Process June 2021. Collection method: clinical testing. Allele origin: germline. Affected: yes.
Comment: Not observed at significant frequency in large population cohorts (gnomAD); In silico analysis supports a deleterious effect on splicing; Has not been previously published as pathogenic or benign to our knowledge

NM_001378609.3(OTOGL):c.3802+6T>C

Gene: OTOGL (otogelin like; plus strand). Cytogenetic location: 12q21.31.
Variant type: single nucleotide variant.
Coding change: c.3802+6T>C on transcript NM_001378609.3 (MANE Select); 6 bases into the intron after coding-DNA position 3802, T replaced by C.
Molecular consequence: intron variant.
Genome position (GRCh38, 1-based): chr12:80,318,719, T>C. VCF-style: chr12-80318719-T-C. GRCh37 (hg19) VCF-style: chr12-80712499-T-C.
Other names: c.3667+6T>C (NM_001368062.3); c.3802+6T>C (NM_001378610.3, NM_173591.7).
Identifiers: ClinVar variation 2446490 (VCV002446490.1), dbSNP rs2541229978, ClinGen allele CA2580086688.
Genomic context (GRCh38, chr12:80,318,719, plus strand): 5'-AGTTTATTTTTTTATTTTATGATCACTCCAGGCCTTTTCAAAGAGAAGGTATCATGTAAG[T>C]ATAATTGAAAATAAGAGTTTAGCTTTCCAATTACATTTTAAAATTTAGCCACTCAGTAAA-3'